The following is an entry in ClinVar:

NR_003051.4(RMRP):n.149C>T

Gene: RMRP (RNA component of mitochondrial RNA processing endoribonuclease; minus strand). Cytogenetic location: 9p13.3.
Variant type: single nucleotide variant.
Genome position: GRCh38 VCF-style: chr9-35657871-G-A. GRCh37 (hg19) VCF-style: chr9-35657868-G-A.
Identifiers: ClinVar variation 426728 (VCV000426728.3), dbSNP rs1085307765, ClinGen allele CA464450698.

ClinVar aggregate classification (germline): Likely pathogenic. Review status: criteria provided, single submitter (1 of 4 stars). 2 submissions from 2 submitters: Likely pathogenic (1). 1 of the submissions does not count toward it. Last evaluated 2017-04-06.

Conditions:
Metaphyseal chondrodysplasia, McKusick type (CHH). Also called: Cartilage-hair hypoplasia; Cartilage-Hair Hypoplasia (CHH). Identifiers: Orphanet 175, MedGen C0220748, MONDO:0009595, OMIM 250250.

gnomAD v4.1: 3 of 700,484 alleles (0.00043%); highest among the groups gnomAD compares: Non-Finnish European, 0.00078%; no homozygotes.

Submissions (2):

GeneDx
Classification: Likely pathogenic. Last evaluated: 2017-04-06. Review status: criteria provided, single submitter. Criteria: GeneDx Variant Classification (06012015). Collection method: clinical testing. Allele origin: germline. Affected: yes.
Comment: The r.148 C>T variant has not been published as a pathogenic variant, nor has it been reported as a benign variant to our knowledge. Population data is not available for this variant, as the ExAC data set has low coverage for this position (Lek et al., 2016). This substitution occurs at a position that is conserved across species. Nearby variants (r.147 G>C, r.147 G>A) as well as the complementary position of the same Watson-Crick base pair (r.169 G>A) have been reported in the Human Gene Mutation Database in association with Cartilage-Hair Hypoplasia (Stenson et al., 2014), supporting the functional importance of this region of the gene. In summary, this variant is likely pathogenic; however, the possibility that it is benign cannot be excluded.

Counsyl
Classification: Uncertain significance for Metaphyseal chondrodysplasia, McKusick type. Last evaluated: 2017-10-27. Review status: no assertion criteria provided. Collection method: clinical testing. Allele origin: unknown. Not counted in ClinVar's aggregate classification.